The following is an entry in ClinVar:

ClinVar aggregate classification (germline): Uncertain significance (1 of 4 stars; one submission).

Conditions:
Inborn genetic diseases. Identifiers: MedGen C0950123, MeSH D030342.

Allele frequency attached by ClinVar (database versions not stated): ExAC 0.00002; TOPMed 0.00002; gnomAD exomes 0.00004.
gnomAD v4.1: 52 of 1,612,898 alleles (0.0032%); highest among the groups gnomAD compares: South Asian, 0.014%; no homozygotes.

Submission:

Ambry Genetics
Classification: Uncertain significance for Inborn genetic diseases. Last evaluated: 2021-05-03. Review status: criteria provided, single submitter. Criteria: Ambry Variant Classification Scheme 2023. Collection method: clinical testing. Allele origin: germline.
Comment: The c.543+4A>C intronic alteration consists of a A to C substitution nucleotides after coding exon 2 in the ERCC6 gene. Based on insufficient or conflicting evidence, the clinical significance of this alteration remains unclear.

NM_000124.4(ERCC6):c.543+4A>C

Gene: ERCC6 (ERCC excision repair 6, chromatin remodeling factor; minus strand). Cytogenetic location: 10q11.23.
Variant type: single nucleotide variant.
Coding change: c.543+4A>C on transcript NM_000124.4 (MANE Select); 4 bases into the intron after coding-DNA position 543, A replaced by C.
Molecular consequence: intron variant.
Genome position (GRCh38, 1-based): chr10:49,530,716, T>G on the plus strand (A>C on the coding strand, the complement: ERCC6 is on the minus strand). VCF-style: chr10-49530716-T-G. GRCh37 (hg19) VCF-style: chr10-50738762-T-G.
Other names: c.543+4A>C (NM_001346440.2, NM_001277059.2, NM_001277058.2).
Identifiers: ClinVar variation 2230633 (VCV002230633.2), dbSNP rs776656543, ClinGen allele CA5496512.